The following is an entry in ClinVar:

ClinVar aggregate classification (germline): Uncertain significance (1 of 4 stars; one submission).

Conditions:
Asphyxiating thoracic dystrophy 3. Also called: SHORT-RIB THORACIC DYSPLASIA 3 WITH OR WITHOUT POLYDACTYLY; POLYDACTYLY WITH NEONATAL CHONDRODYSTROPHY, TYPE I; SHORT-RIB THORACIC DYSPLASIA 3/6 WITH POLYDACTYLY, DIGENIC; Short rib polydactyly syndrome 2B; Saldino-Noonan Syndrome. Identifiers: Orphanet 474, Orphanet 93269, Orphanet 93270, Orphanet 93271, MedGen C0036069, MONDO:0013127, OMIM 613091.

Allele frequency attached by ClinVar (database versions not stated): gnomAD exomes below 0.00001.
gnomAD v4.1: 2 of 1,594,884 alleles (0.00013%); highest among the groups gnomAD compares: South Asian, 0.0011%; no homozygotes.

Submission:

Institute of Human Genetics, University of Leipzig Medical Center
Classification: Uncertain significance for Asphyxiating thoracic dystrophy 3. Last evaluated: 2025-08-18. Review status: criteria provided, single submitter. Criteria: ACMG Guidelines, 2015. Collection method: clinical testing. Allele origin: maternal. Inheritance: Autosomal recessive inheritance. Affected: yes.
Comment: Criteria applied: PM2_SUP,PP3; Identified as compund heterozygous with NM_001080463.2:c.1288C>T

NM_001377.3(DYNC2H1):c.1856A>G (p.Gln619Arg)

Gene: DYNC2H1 (dynein cytoplasmic 2 heavy chain 1; plus strand). Cytogenetic location: 11q22.3.
Variant type: single nucleotide variant.
Coding change: c.1856A>G on transcript NM_001377.3 (MANE Select); coding-DNA position 1856, A replaced by G.
Protein change: p.Gln619Arg; replaces glutamine 619 with arginine.
Molecular consequence: missense variant.
Genome position (GRCh38, 1-based): chr11:103,125,294, A>G. VCF-style: chr11-103125294-A-G. GRCh37 (hg19) VCF-style: chr11-102996023-A-G.
Other names: c.1856A>G, p.Gln619Arg (NM_001080463.2); short protein forms Q619R.
Identifiers: ClinVar variation 1329946 (VCV001329946.4), dbSNP rs1858933013, ClinGen allele CA382255289.
Genomic context (GRCh38, chr11:103,125,294, plus strand): 5'-AAATACAGCAAGTTGCAAACATTGCACAGAAATTCTGCAAGCAAGCAATTATTCTTAAAC[A>G]AGTATGAAATTACATTTTTTGAATACCTGCCTATTTGGAGTTCATTACGTTAAACTAGAA-3'
Protein context (NP_001368.2, residues 609-629): KFCKQAIILK[Gln619Arg]VAHFYNSIDQ